The following is an entry in ClinVar:

ClinVar aggregate classification (germline): Benign. Review status: criteria provided, multiple submitters, no conflicts (2 of 4 stars). 3 submissions from 2 submitters: Benign (3). Last evaluated 2021-05-17.

Conditions:
Susceptibility to mononeuropathy of the median nerve, mild. Also called: CARPAL TUNNEL SYNDROME, SUSCEPTIBILITY TO. Identifiers: MedGen C3150596, MONDO:0013237, OMIM 613353.
Charcot-Marie-Tooth disease type 4C (CMT4C). Also called: CHARCOT-MARIE-TOOTH DISEASE, DEMYELINATING, AUTOSOMAL RECESSIVE, TYPE 4C; CMT 4C; Charcot-Marie-Tooth Neuropathy Type 4C (CMT4C); CHARCOT-MARIE-TOOTH DISEASE, DEMYELINATING, TYPE 4C; SH3TC2-Related Hereditary Motor and Sensory Neuropathy. Identifiers: Orphanet 99949, MedGen C1866636, MONDO:0011113, OMIM 601596.

Allele frequency attached by ClinVar (database versions not stated): TOPMed 0.15357; 1000 Genomes Project 30x 0.15881; 1000 Genomes Project 0.16154; gnomAD 0.16395 and 0.16703.
gnomAD v4.1: 25,421 of 151,856 alleles (17%); highest among the groups gnomAD compares: East Asian, 24%; 2,464 homozygotes.

Submissions (3):

GeneDx
Classification: Benign. Last evaluated: 2021-05-17. Review status: criteria provided, single submitter. Criteria: GeneDx Variant Classification Process June 2021. Collection method: clinical testing. Allele origin: germline. Affected: yes.

Illumina Laboratory Services, Illumina
Classification: Benign for Susceptibility to mononeuropathy of the median nerve, mild. Last evaluated: 2018-01-12. Review status: criteria provided, single submitter. Criteria: ICSL Variant Classification Criteria 13 December 2019. Collection method: clinical testing. Allele origin: germline.
Comment: This variant was observed in the ICSL laboratory as part of a predisposition screen in an ostensibly healthy population. It had not been previously curated by ICSL or reported in the Human Gene Mutation Database (HGMD: prior to June 1st, 2018), and was therefore a candidate for classification through an automated scoring system. Utilizing variant allele frequency, disease prevalence and penetrance estimates, and inheritance mode, an automated score was calculated to assess if this variant is too frequent to cause the disease. Based on the score and internal cut-off values, a variant classified as benign is not then subjected to further curation. The score for this variant resulted in a classification of benign for this disease.

Illumina Laboratory Services, Illumina
Classification: Benign for Charcot-Marie-Tooth disease type 4C. Last evaluated: 2018-01-12. Review status: criteria provided, single submitter. Criteria: ICSL Variant Classification Criteria 13 December 2019. Collection method: clinical testing. Allele origin: germline.
Comment: the same text as in the submission from Illumina Laboratory Services, Illumina above.

NM_024577.4(SH3TC2):c.*14621G>T

Gene: SH3TC2 (SH3 domain and tetratricopeptide repeats 2; minus strand). Cytogenetic location: 5q32.
Variant type: single nucleotide variant.
Coding change: c.*14621G>T on transcript NM_024577.4 (MANE Select); 14621 bases downstream of the stop codon, G replaced by T.
Molecular consequence: 3 prime UTR variant.
Genome position (GRCh38, 1-based): chr5:148,990,090, C>A on the plus strand (G>T on the coding strand, the complement: SH3TC2 is on the minus strand). VCF-style: chr5-148990090-C-A. GRCh37 (hg19) VCF-style: chr5-148369653-C-A.
Identifiers: ClinVar variation 351663 (VCV000351663.6), dbSNP rs17795097, ClinGen allele CA10619445.